The following is an entry in ClinVar:

ClinVar aggregate classification (germline): Uncertain significance (1 of 4 stars; one submission).

Conditions:
Adenylosuccinate lyase deficiency (ADSLD). Also called: ADSL DEFICIENCY. Identifiers: Orphanet 46, MedGen C0268126, MONDO:0007068, OMIM 103050.

Submission:

Labcorp Genetics (formerly Invitae), Labcorp
Classification: Uncertain significance for Adenylosuccinate lyase deficiency. Last evaluated: 2022-08-15. Review status: criteria provided, single submitter. Criteria: Invitae Variant Classification Sherloc (09022015). Collection method: clinical testing. Allele origin: germline.
Comment: This variant has not been reported in the literature in individuals affected with ADSL-related conditions. In summary, the available evidence is currently insufficient to determine the role of this variant in disease. Therefore, it has been classified as a Variant of Uncertain Significance. Experimental studies and prediction algorithms are not available or were not evaluated, and the functional significance of this variant is currently unknown. This variant is not present in population databases (gnomAD no frequency). This variant occurs in a non-coding region of the ADSL gene. It does not change the encoded amino acid sequence of the ADSL protein.

NC_000022.11:g.40345635dup

Gene: ADSL (adenylosuccinate lyase; plus strand). Cytogenetic location: 22q13.1.
Variant type: Duplication.
Genome position: GRCh38 VCF-style: chr22-40345633-A-AT. GRCh37 (hg19) VCF-style: chr22-40741637-A-AT.
Identifiers: ClinVar variation 1507812 (VCV001507812.6), dbSNP rs1206371108, ClinGen allele CA753179574.